The following is an entry in ClinVar:

NM_144701.3(IL23R):c.715A>C (p.Ile239Leu)

Gene: IL23R (interleukin 23 receptor; plus strand). Cytogenetic location: 1p31.3.
Variant type: single nucleotide variant.
Coding change: c.715A>C on transcript NM_144701.3 (MANE Select); coding-DNA position 715, A replaced by C.
Protein change: p.Ile239Leu; replaces isoleucine 239 with leucine.
Molecular consequence: missense variant.
Genome position (GRCh38, 1-based): chr1:67,206,972, A>C. VCF-style: chr1-67206972-A-C. GRCh37 (hg19) VCF-style: chr1-67672655-A-C.
Other names: short protein forms I239L.
Identifiers: ClinVar variation 1714511 (VCV001714511.5), dbSNP rs777244526, ClinGen allele CA340728262.

ClinVar aggregate classification (germline): Uncertain significance (1 of 4 stars; one submission).

Submission:

Labcorp Genetics (formerly Invitae), Labcorp
Classification: Uncertain significance. Last evaluated: 2022-07-30. Review status: criteria provided, single submitter. Criteria: Invitae Variant Classification Sherloc (09022015). Collection method: clinical testing. Allele origin: germline.
Comment: In summary, the available evidence is currently insufficient to determine the role of this variant in disease. Therefore, it has been classified as a Variant of Uncertain Significance. Algorithms developed to predict the effect of missense changes on protein structure and function (SIFT, PolyPhen-2, Align-GVGD) all suggest that this variant is likely to be tolerated. This variant has not been reported in the literature in individuals affected with IL23R-related conditions. This variant is not present in population databases (gnomAD no frequency). This sequence change replaces isoleucine, which is neutral and non-polar, with leucine, which is neutral and non-polar, at codon 239 of the IL23R protein (p.Ile239Leu).